The following is an entry in ClinVar:

NM_004525.3(LRP2):c.6967C>T (p.Leu2323=)

Gene: LRP2 (LDL receptor related protein 2; minus strand). Cytogenetic location: 2q31.1.
Variant type: single nucleotide variant.
Coding change: c.6967C>T on transcript NM_004525.3 (MANE Select); coding-DNA position 6967, C replaced by T.
Protein change: p.Leu2323=; no amino-acid change (leucine 2323 retained).
Molecular consequence: synonymous variant.
Genome position (GRCh38, 1-based): chr2:169,206,753, G>A on the plus strand (C>T on the coding strand, the complement: LRP2 is on the minus strand). VCF-style: chr2-169206753-G-A. GRCh37 (hg19) VCF-style: chr2-170063263-G-A.
Identifiers: ClinVar variation 332139 (VCV000332139.42), dbSNP rs149367019, ClinGen allele CA1954187.
Genomic context (GRCh38, chr2:169,206,753, plus strand): 5'-TGTTGACCTCTGCTGGTGACCGGGGCTGGACTTGCTTGTCAAAGATGGTCACATCTCTTA[G>A]CCAGTTGATATTGTCTCTTATCACTGTGGGTGGCTCTGTGTTCTCTGGTTCCTTGCTGGC-3'
Protein context (NP_004516.2, residues 2313-2333): PTVIRDNINW[Leu2323=]RDVTIFDKQV

ClinVar aggregate classification (germline): Benign/Likely benign. Review status: criteria provided, multiple submitters, no conflicts (2 of 4 stars). 6 submissions from 6 submitters: Benign (2); Likely benign (4). Last evaluated 2026-03-01.

Conditions:
Donnai-Barrow syndrome. Also called: DBS/FOAR SYNDROME; FACIOOCULOACOUSTICORENAL SYNDROME. Identifiers: Orphanet 2143, MedGen C1857277, MONDO:0009104, OMIM 222448.

Allele frequency attached by ClinVar (database versions not stated): 1000 Genomes Project 0.00120; 1000 Genomes Project 30x 0.00141; gnomAD 0.00326 and 0.00333; TOPMed 0.00330; ExAC 0.00363; gnomAD exomes 0.00372 and 0.00550; ESP Exome Variant Server 0.00492.
gnomAD v4.1: 8,542 of 1,614,136 alleles (0.53%); highest among the groups gnomAD compares: Non-Finnish European, 0.61%; 37 homozygotes.

Submissions (6):

CeGaT Center for Human Genetics Tuebingen
Classification: Likely benign. Last evaluated: 2026-03-01. Review status: criteria provided, single submitter. Criteria: CeGaT Center For Human Genetics Tuebingen Variant Classification Criteria Version 2. Collection method: clinical testing. Allele origin: germline. Affected: yes. Observed: 17 variant alleles.
Comment: LRP2: BP4, BP7, BS2

Labcorp Genetics (formerly Invitae), Labcorp
Classification: Benign. Last evaluated: 2026-02-01. Review status: criteria provided, single submitter. Criteria: Invitae Variant Classification Sherloc (09022015). Collection method: clinical testing. Allele origin: germline.

Genome-Nilou Lab
Classification: Benign for Donnai-Barrow syndrome. Last evaluated: 2021-07-15. Review status: criteria provided, single submitter. Criteria: ACMG Guidelines, 2015. Collection method: clinical testing. Allele origin: germline. Affected: no.

GeneDx
Classification: Likely benign. Last evaluated: 2020-10-08. Review status: criteria provided, single submitter. Criteria: GeneDx Variant Classification Process June 2021. Collection method: clinical testing. Allele origin: germline. Affected: yes.
Comment: See Variant Classification Assertion Criteria.

Illumina Laboratory Services, Illumina
Classification: Likely benign for Donnai-Barrow syndrome. Last evaluated: 2018-01-13. Review status: criteria provided, single submitter. Criteria: ICSL Variant Classification Criteria 13 December 2019. Collection method: clinical testing. Allele origin: germline.
Comment: This variant was observed in the ICSL laboratory as part of a predisposition screen in an ostensibly healthy population. It had not been previously curated by ICSL or reported in the Human Gene Mutation Database (HGMD: prior to June 1st, 2018), and was therefore a candidate for classification through an automated scoring system. Utilizing variant allele frequency, disease prevalence and penetrance estimates, and inheritance mode, an automated score was calculated to assess if this variant is too frequent to cause the disease. Based on the score and internal cut-off values, a variant classified as likely benign is not then subjected to further curation. The score for this variant resulted in a classification of likely benign for this disease.

Breakthrough Genomics
Classification: Likely benign. Review status: criteria provided, single submitter. Criteria: ACMG Guidelines, 2015. Collection method: not provided. Allele origin: germline. Inheritance: Autosomal recessive inheritance. Affected: yes.